The following is an entry in ClinVar:

ClinVar aggregate classification (germline): Uncertain significance (1 of 4 stars; one submission).

Submission:

GeneDx
Classification: Uncertain significance. Last evaluated: 2026-01-24. Review status: criteria provided, single submitter. Criteria: GeneDx Variant Classification Process June 2021. Collection method: clinical testing. Allele origin: germline. Affected: yes.
Comment: Not observed at significant frequency in large population cohorts (gnomAD); In silico analysis supports that this missense variant has a deleterious effect on protein structure/function; Has not been previously published as pathogenic or benign to our knowledge

NM_001110556.2(FLNA):c.5975G>C (p.Gly1992Ala)

Gene: FLNA (filamin A; minus strand). Cytogenetic location: Xq28.
Variant type: single nucleotide variant.
Coding change: c.5975G>C on transcript NM_001110556.2 (MANE Select); coding-DNA position 5975, G replaced by C.
Protein change: p.Gly1992Ala; replaces glycine 1992 with alanine.
Molecular consequence: missense variant.
Genome position (GRCh38, 1-based): chrX:154,353,343, C>G on the plus strand (G>C on the coding strand, the complement: FLNA is on the minus strand). VCF-style: chrX-154353343-C-G. GRCh37 (hg19) VCF-style: chrX-153581711-C-G.
Other names: c.5951G>C, p.Gly1984Ala (NM_001456.4); short protein forms G1984A, G1992A.
Identifiers: ClinVar variation 1311479 (VCV001311479.3), dbSNP rs2148105370, ClinGen allele CA415197344.